The following is an entry in ClinVar:

ClinVar aggregate classification (germline): Pathogenic. Review status: criteria provided, multiple submitters, no conflicts (2 of 4 stars). 2 submissions from 2 submitters: Pathogenic (2). Last evaluated 2023-04-26.

Conditions:
Hereditary cancer-predisposing syndrome. Also called: Hereditary Cancer Syndrome; Hereditary neoplastic syndrome; Neoplastic Syndromes, Hereditary; Tumor predisposition. Identifiers: Orphanet 140162, MedGen C0027672, MeSH D009386, MONDO:0015356.
Familial adenomatous polyposis 1 (FAP1). Also called: FAMILIAL ADENOMATOUS POLYPOSIS 1, ATTENUATED; POLYPOSIS, ADENOMATOUS INTESTINAL. Identifiers: MedGen C2713442, MONDO:0021056, OMIM 175100. Disease mechanism: loss of function.

Submissions (2):

Myriad Genetics, Inc.
Classification: Pathogenic for Familial adenomatous polyposis 1. Last evaluated: 2023-04-26. Review status: criteria provided, single submitter. Criteria: Myriad Autosomal Dominant, Autosomal Recessive and X-Linked Classification Criteria (2023). Collection method: clinical testing. Allele origin: unknown.
Comment: This variant is considered pathogenic. This variant creates a frameshift predicted to result in premature protein truncation.

Ambry Genetics
Classification: Pathogenic for Hereditary cancer-predisposing syndrome. Last evaluated: 2020-11-26. Review status: criteria provided, single submitter. Criteria: Ambry Variant Classification Scheme 2023. Collection method: clinical testing. Allele origin: germline.
Comment: The c.556delA pathogenic mutation, located in coding exon 5 of the APC gene, results from a deletion of one nucleotide at nucleotide position 556, causing a translational frameshift with a predicted alternate stop codon (p.R186Efs*19). This alteration has been identified in multiple individuals with familial adenomatous polyposis (FAP) (Armstrong JG et al. Hum Mutat, 1997;10:376-80; Lagarde A et al. J Med Genet, 2010 Oct;47:721-2). In addition to the clinical data presented in the literature, this alteration is expected to result in loss of function by premature protein truncation or nonsense-mediated mRNA decay. As such, this alteration is interpreted as a disease-causing mutation.

Literature cited by the submitters: PubMed 20685668 (cited by Ambry Genetics); PubMed 9375853 (cited by Ambry Genetics).

NM_000038.6(APC):c.556del (p.Arg186fs)

Gene: APC (APC regulator of Wnt signaling pathway; plus strand). Cytogenetic location: 5q22.2.
Variant type: Deletion.
Coding change: c.556del on transcript NM_000038.6 (MANE Select); coding-DNA position 556, one base deleted (A; older notation c.556delA).
Protein change: p.Arg186fs; shifts the reading frame from arginine 186.
Molecular consequence: frameshift variant. On other transcripts: 5 prime UTR variant (1).
Genome position (GRCh38, 1-based): chr5:112,780,814, A deleted. VCF-style (leftmost placement, unchanged base first): chr5-112780813-CA-C. GRCh37 (hg19) VCF-style: chr5-112116510-CA-C.
Other names: c.556del, p.Arg186fs (NM_001127510.3, NM_001354895.2, NM_001354896.2 and 2 more transcripts); c.586del, p.Arg196fs (NM_001127511.3, NM_001354897.2, NM_001354902.2); c.481del, p.Arg161fs (NM_001354898.2, NM_001354904.2); c.379del, p.Arg127fs (NM_001354900.2, NM_001354901.2, NM_001354905.2); c.-480del (NM_001354906.2); c.586delA, p.Arg196Glufs (NM_001407446.1); c.556delA, p.Arg186Glufs (NM_001407447.1, NM_001407448.1, NM_001407449.1 and 11 more transcripts); c.481delA, p.Arg161Glufs (NM_001407451.1); and 2 more; short protein forms R127fs, R161fs, R186fs, R196fs.
Identifiers: ClinVar variation 1748355 (VCV001748355.3), dbSNP rs2532485835, ClinGen allele CA658760478.